The following is an entry in ClinVar:

NM_000077.5(CDKN2A):c.157A>G (p.Met53Val)

Gene: CDKN2A (cyclin dependent kinase inhibitor 2A; minus strand). Cytogenetic location: 9p21.3.
Variant type: single nucleotide variant.
Coding change: c.157A>G on transcript NM_000077.5; coding-DNA position 157, A replaced by G.
Protein change: p.Met53Val; replaces methionine 53 with valine.
Molecular consequence: missense variant (on NM_000077.6). On other transcripts: 3 prime UTR variant (1).
Genome position (GRCh38, 1-based): chr9:21,971,202, T>C on the plus strand (A>G on the coding strand, the complement: CDKN2A is on the minus strand). VCF-style: chr9-21971202-T-C. GRCh37 (hg19) VCF-style: chr9-21971201-T-C.
Other names: c.157A>G, p.Met53Val (NM_000077.6, NM_001195132.2); c.4A>G, p.Met2Val (NM_001363763.2); c.200A>G, p.Asp67Gly (NM_058195.4); c.*80A>G (NM_058197.5); short protein forms D67G, M2V, M53V.
Identifiers: ClinVar variation 1467708 (VCV001467708.9), dbSNP rs2131096682, ClinGen allele CA373086445.

ClinVar aggregate classification (germline): Conflicting classifications of pathogenicity. Review status: criteria provided, conflicting classifications (1 of 4 stars). 2 submissions from 2 submitters: Likely pathogenic (1); Uncertain significance (1). Last evaluated 2026-01-14.

Conditions:
Familial melanoma. Also called: Hereditary melanoma; Hereditary cutaneous melanoma. Identifiers: Orphanet 618, MedGen C1512419, MONDO:0018961.
Hereditary cancer-predisposing syndrome. Also called: Tumor predisposition; Hereditary neoplastic syndrome; Neoplastic Syndromes, Hereditary; Hereditary Cancer Syndrome. Identifiers: Orphanet 140162, MedGen C0027672, MeSH D009386, MONDO:0015356.

Submissions (2):

Ambry Genetics
Classification: Uncertain significance for Hereditary cancer-predisposing syndrome. Last evaluated: 2026-01-14. Review status: criteria provided, single submitter. Criteria: Ambry Variant Classification Scheme 2023. Collection method: clinical testing. Allele origin: germline.
Comment: The p.M53V variant (also known as c.157A>G), located in coding exon 2 of the CDKN2A gene, results from an A to G substitution at nucleotide position 157. The methionine at codon 53 is replaced by valine, an amino acid with highly similar properties. Of note, this variant is also known as c.200A>G (p.D67G) in the p14(ARF) isoform. This variant was reported in individuals with features consistent with melanoma-pancreatic cancer syndrome (Yang G et al. J Invest Dermatol, 2004 Sep;123:574-5). Other variant(s) at the same codon, p.M53I (c.159G>C), have also been identified in individuals with features consistent with melanoma-pancreatic cancer syndrome (Walker GJ Hum. Mol. Genet. 1995 Oct; 4(10):1845-52; FitzGerald MG et al. Proc. Natl. Acad. Sci. U.S.A., 1996 Aug;93:8541-5; Flores JF et al. Oncogene 1997 Dec;15(24):2999-3005; Soufir N et al. Hum. Mol. Genet. 1998 Feb;7(2):209-16; MacKie RM et al. J. Invest. Dermatol., 1998 Aug;111:269-72; Monzon et al. N Eng J Med 1998; 338(13): 879-87; Goldstein AM et al. J. Med. Genet., 2007 Feb;44:99-106; Levin T and Maehle L Fam. Cancer. 2017 04;16(2):257-265). This amino acid position is well conserved in available vertebrate species. In addition, the in silico prediction for this alteration is inconclusive. Based on the available evidence, the clinical significance of this variant remains unclear.

Labcorp Genetics (formerly Invitae), Labcorp
Classification: Likely pathogenic for Familial melanoma. Last evaluated: 2021-05-01. Review status: criteria provided, single submitter. Criteria: Invitae Variant Classification Sherloc (09022015). Collection method: clinical testing. Allele origin: germline.
Comment: The CDKN2A gene encodes two different proteins, p16INK4a and p14ARF, which are translated from alternative transcripts that have different open reading frames. This sequence change replaces methionine with valine at codon 53 of the p16INK4a protein (p.Met53Val). The methionine residue is highly conserved and there is a small physicochemical difference between methionine and valine. Alternatively, this sequence change replaces aspartic acid with glycine at codon 67 of the p14ARF protein (p.Asp67Gly). The aspartic acid residue is highly conserved and there is a moderate physicochemical difference between aspartic acid and glycine. This variant is not present in population databases (ExAC no frequency). This variant has been observed in individual(s) with early onset, multiple primary melanomas (PMID: 15304098). It has also been observed to segregate with disease in related individuals. Algorithms developed to predict the effect of missense changes on protein structure and function are either unavailable or do not agree on the potential impact of p.Met53Val in p16INK4a (SIFT: "Deleterious"; PolyPhen-2: "Possibly Damaging"; Align-GVGD: "Class C0") or on the effect of p.Asp67Gly in p14ARF (SIFT: "Deleterious"; PolyPhen-2: "Benign"; Align-GVGD: "Class C65"). These predictions have not been confirmed by published functional studies and their clinical significance is uncertain. Algorithms developed to predict the effect of sequence changes on RNA splicing suggest that this variant may create or strengthen a splice site, but this prediction has not been confirmed by published transcriptional studies. This variant disrupts the p.Met53 amino acid residue in p16INK4a. Other variant(s) that disrupt this residue have been determined to be pathogenic (PMID: 16905682, 8595405, 9699728, 16307646, 9328469, 17171691). This suggests that this residue is clinically significant, and that variants that disrupt this residue are likely to be disease-causing. In summary, the currently available evidence indicates that the variant is pathogenic. In the absence of additional clinical evidence, this variant has been classified as Likely Pathogenic. While this evidence indicates that the variant confers risk of developing CDKN2A (p16INK4a)-associated conditions, the association of this variant with risk for developing CDKN2A (p14ARF)-associated conditions is still unclear.

Literature cited by the submitters: PubMed 15304098 (cited by Ambry Genetics and Labcorp Genetics (formerly Invitae), Labcorp); PubMed 16905682 (cited by Labcorp Genetics (formerly Invitae), Labcorp); PubMed 8595405 (cited by Labcorp Genetics (formerly Invitae), Labcorp); PubMed 9699728 (cited by Labcorp Genetics (formerly Invitae), Labcorp); PubMed 16307646 (cited by Labcorp Genetics (formerly Invitae), Labcorp); PubMed 9328469 (cited by Labcorp Genetics (formerly Invitae), Labcorp); PubMed 17171691 (cited by Labcorp Genetics (formerly Invitae), Labcorp).